The following is an entry in ClinVar:

NM_018979.4(WNK1):c.1401A>G (p.Arg467=)

Gene: WNK1 (WNK lysine deficient protein kinase 1; plus strand). Cytogenetic location: 12p13.33.
Variant type: single nucleotide variant.
Coding change: c.1401A>G on transcript NM_018979.4 (MANE Select); coding-DNA position 1401, A replaced by G.
Protein change: p.Arg467=; no amino-acid change (arginine 467 retained).
Molecular consequence: synonymous variant.
Genome position (GRCh38, 1-based): chr12:859,245, A>G. VCF-style: chr12-859245-A-G. GRCh37 (hg19) VCF-style: chr12-968411-A-G.
Other names: c.1401A>G, p.Arg467= (NM_001184985.2, NM_014823.3, NM_213655.5).
Identifiers: ClinVar variation 1396258 (VCV001396258.6), dbSNP rs1445022150, ClinGen allele CA477852749.

ClinVar aggregate classification (germline): Uncertain significance (1 of 4 stars; one submission).

Conditions:
Neuropathy, hereditary sensory and autonomic, type 2A (HSAN2A). Also called: ACROOSTEOLYSIS, GIACCAI TYPE; ACROOSTEOLYSIS, NEUROGENIC; MORVAN DISEASE; NEUROPATHY, CONGENITAL SENSORY; NEUROPATHY, HEREDITARY SENSORY RADICULAR, AUTOSOMAL RECESSIVE; NEUROPATHY, HEREDITARY SENSORY, TYPE IIA. Identifiers: Orphanet 970, MedGen C2752089, MONDO:0024309, OMIM 201300.
Pseudohypoaldosteronism type 2C (PHA2C). Also called: Pseudohypoaldosteronism Type IIC. Identifiers: Orphanet 757, Orphanet 88940, MedGen C1840391, MONDO:0013778, OMIM 614492.

Allele frequency attached by ClinVar (database versions not stated): gnomAD exomes below 0.00001 and 0.00002; TOPMed 0.00005; gnomAD 0.00006.
gnomAD v4.1: 14 of 1,610,356 alleles (0.00087%); highest among the groups gnomAD compares: Admixed American, 0.023%; no homozygotes.

Submission:

Labcorp Genetics (formerly Invitae), Labcorp
Classification: Uncertain significance for Neuropathy, hereditary sensory and autonomic, type 2A; Pseudohypoaldosteronism type 2C. Last evaluated: 2024-05-22. Review status: criteria provided, single submitter. Criteria: Invitae Variant Classification Sherloc (09022015). Collection method: clinical testing. Allele origin: germline.
Comment: This sequence change affects codon 467 of the WNK1 mRNA. It is a 'silent' change, meaning that it does not change the encoded amino acid sequence of the WNK1 protein. It affects a nucleotide within the consensus splice site. This variant is present in population databases (no rsID available, gnomAD 0.01%). This variant has not been reported in the literature in individuals affected with WNK1-related conditions. ClinVar contains an entry for this variant (Variation ID: 1396258). Algorithms developed to predict the effect of sequence changes on RNA splicing suggest that this variant is not likely to affect RNA splicing. In summary, the available evidence is currently insufficient to determine the role of this variant in disease. Therefore, it has been classified as a Variant of Uncertain Significance.